The following is an entry in ClinVar:

NM_181426.2(CCDC39):c.2551G>T (p.Glu851Ter)

Genes: CCDC39 (coiled-coil domain 39 molecular ruler complex subunit; minus strand), TTC14 (tetratricopeptide repeat domain 14; plus strand). Cytogenetic location: 3q26.33.
Variant type: single nucleotide variant.
Coding change: c.2551G>T on transcript NM_181426.2 (MANE Select); coding-DNA position 2551, G replaced by T.
Protein change: p.Glu851Ter; replaces glutamic acid 851 with a stop codon.
Molecular consequence: nonsense. On other transcripts: intron variant (1).
Genome position (GRCh38, 1-based): chr3:180,616,551, C>A on the plus strand (G>T on the coding strand, the complement: CCDC39 is on the minus strand). VCF-style: chr3-180616551-C-A. GRCh37 (hg19) VCF-style: chr3-180334339-C-A.
Other names: c.1775-829C>A (NM_001288582.2); short protein forms E851*.
Identifiers: ClinVar variation 455020 (VCV000455020.10), dbSNP rs1553800956, ClinGen allele CA355305143.

ClinVar aggregate classification (germline): Pathogenic (1 of 4 stars; one submission).

Conditions:
Primary ciliary dyskinesia. Also called: Ciliary dyskinesia. Identifiers: Orphanet 244, MedGen C0008780, MONDO:0016575, HP:0012265.

Submission:

Labcorp Genetics (formerly Invitae), Labcorp
Classification: Pathogenic for Primary ciliary dyskinesia. Last evaluated: 2017-02-01. Review status: criteria provided, single submitter. Criteria: Invitae Variant Classification Sherloc (09022015). Collection method: clinical testing. Allele origin: germline.
Comment: This sequence change creates a premature translational stop signal at codon 851 (p.Glu851*) of the CCDC39 gene. It is expected to result in an absent or disrupted protein product. Loss-of-function variants in CCDC39 are known to be pathogenic. This particular variant has been reported in the literature in a family affected with primary ciliary dyskinesia (PMID: 21131972). For these reasons, this variant has been classified as Pathogenic.

Literature cited by the submitters: PubMed 21131972.